The following is an entry in ClinVar:

ClinVar aggregate classification (germline): Likely pathogenic (1 of 4 stars; one submission).

Conditions:
Marfan syndrome (MFS). Also called: MARFAN SYNDROME, TYPE I; Marfan syndrome type 1; Marfan's syndrome; Marfan syndrome, classic; FBN1-Related Marfan Syndrome. Identifiers: Orphanet 284963, Orphanet 558, MedGen C0024796, MONDO:0007947, OMIM 154700.
Familial thoracic aortic aneurysm and aortic dissection (TAAD). Also called: Thoracic aortic aneurysms and dissections. Identifiers: Orphanet 91387, MedGen C4707243, MONDO:0019625.

Submission:

Labcorp Genetics (formerly Invitae), Labcorp
Classification: Likely pathogenic for Marfan syndrome; Familial thoracic aortic aneurysm and aortic dissection. Last evaluated: 2025-09-15. Review status: criteria provided, single submitter. Criteria: Invitae Variant Classification Sherloc (09022015). Collection method: clinical testing. Allele origin: germline.
Comment: This sequence change replaces phenylalanine, which is neutral and non-polar, with cysteine, which is neutral and slightly polar, at codon 602 of the FBN1 protein (p.Phe602Cys). This variant is not present in population databases (gnomAD no frequency). This missense change has been observed in individual(s) with Marfan syndrome (internal data). ClinVar contains an entry for this variant (Variation ID: 2951996). Invitae Evidence Modeling of protein sequence and biophysical properties (such as structural, functional, and spatial information, amino acid conservation, physicochemical variation, residue mobility, and thermodynamic stability) indicates that this missense variant is expected to disrupt FBN1 protein function with a positive predictive value of 95%. In summary, the currently available evidence indicates that the variant is pathogenic, but additional data are needed to prove that conclusively. Therefore, this variant has been classified as Likely Pathogenic.

NM_000138.5(FBN1):c.1805T>G (p.Phe602Cys)

Gene: FBN1 (fibrillin 1; minus strand). Cytogenetic location: 15q21.1.
Variant type: single nucleotide variant.
Coding change: c.1805T>G on transcript NM_000138.5 (MANE Select); coding-DNA position 1805, T replaced by G.
Protein change: p.Phe602Cys; replaces phenylalanine 602 with cysteine.
Molecular consequence: missense variant.
Genome position (GRCh38, 1-based): chr15:48,508,614, A>C on the plus strand (T>G on the coding strand, the complement: FBN1 is on the minus strand). VCF-style: chr15-48508614-A-C. GRCh37 (hg19) VCF-style: chr15-48800811-A-C.
Other names: c.1805T>G, p.Phe602Cys (NM_001406716.1); short protein forms F602C.
Identifiers: ClinVar variation 2951996 (VCV002951996.3), dbSNP rs1555399952, ClinGen allele CA392340281.